The following is an entry in ClinVar:

NM_153704.6(TMEM67):c.2439+8A>C

Gene: TMEM67 (transmembrane protein 67; plus strand). Cytogenetic location: 8q22.1.
Variant type: single nucleotide variant.
Coding change: c.2439+8A>C on transcript NM_153704.6 (MANE Select); 8 bases into the intron after coding-DNA position 2439, A replaced by C.
Molecular consequence: intron variant.
Genome position (GRCh38, 1-based): chr8:93,804,886, A>C. VCF-style: chr8-93804886-A-C. GRCh37 (hg19) VCF-style: chr8-94817114-A-C.
Other names: c.2439+8A>C (NM_153704.5); c.2196+8A>C (NM_001142301.1).
Identifiers: ClinVar variation 1904243 (VCV001904243.7), dbSNP rs778635188, ClinGen allele CA4808297.

ClinVar aggregate classification (germline): Conflicting classifications of pathogenicity. Review status: criteria provided, conflicting classifications (1 of 4 stars). 3 submissions from 3 submitters: Uncertain significance (1); Likely benign (2). Last evaluated 2025-01-07.

Conditions:
Joubert syndrome. Also called: JOUBERT-BOLTSHAUSER SYNDROME; Familial aplasia of the vermis. Identifiers: Orphanet 475, MedGen C5979921, MONDO:0018772.
Meckel-Gruber syndrome. Also called: DYSENCEPHALIA SPLANCHNOCYSTICA; GRUBER SYNDROME; Dysencephalia splachnocystica. Identifiers: Orphanet 564, MedGen C0265215, MONDO:0018921.
TMEM67-related disorder. Also called: TMEM67-related condition; TMEM67-related disorders. Identifiers: MedGen CN239423.

Allele frequency attached by ClinVar (database versions not stated): TOPMed below 0.00001; ExAC 0.00001; gnomAD 0.00001.
gnomAD v4.1: 4 of 1,436,402 alleles (0.00028%); highest among the groups gnomAD compares: African/African-American, 0.0042%; no homozygotes.

Submissions (3):

PreventionGenetics, part of Exact Sciences
Classification: Uncertain significance for TMEM67-related condition. Last evaluated: 2025-01-07. Review status: criteria provided, single submitter. Criteria: ACMG Guidelines, 2015. Collection method: clinical testing. Allele origin: germline.
Comment: The TMEM67 c.2439+8A>C variant is predicted to interfere with splicing. To our knowledge, this variant has not been reported in the literature. This variant is reported in 0.012% of alleles in individuals of African descent in gnomAD. At this time, the clinical significance of this variant is uncertain due to the absence of conclusive functional and genetic evidence.

Labcorp Genetics (formerly Invitae), Labcorp
Classification: Likely benign for Joubert syndrome; Meckel-Gruber syndrome. Last evaluated: 2024-09-16. Review status: criteria provided, single submitter. Criteria: Invitae Variant Classification Sherloc (09022015). Collection method: clinical testing. Allele origin: germline.

Blueprint Genetics
Classification: Likely benign. Last evaluated: 2019-11-26. Review status: criteria provided, single submitter. Criteria: ACMG Guidelines, 2015. Collection method: clinical testing. Allele origin: germline.